The following is an entry in ClinVar:

ClinVar aggregate classification (germline): Uncertain significance (1 of 4 stars; one submission).

Submission:

Labcorp Genetics (formerly Invitae), Labcorp
Classification: Uncertain significance. Last evaluated: 2025-07-10. Review status: criteria provided, single submitter. Criteria: Invitae Variant Classification Sherloc (09022015). Collection method: clinical testing. Allele origin: germline.
Comment: This sequence change replaces valine, which is neutral and non-polar, with alanine, which is neutral and non-polar, at codon 500 of the ATP2B4 protein (p.Val500Ala). This variant is present in population databases (no rsID available, gnomAD 0.02%). This variant has not been reported in the literature in individuals affected with ATP2B4-related conditions. ClinVar contains an entry for this variant (Variation ID: 3618355). Invitae Evidence Modeling of protein sequence and biophysical properties (such as structural, functional, and spatial information, amino acid conservation, physicochemical variation, residue mobility, and thermodynamic stability) indicates that this missense variant is not expected to disrupt ATP2B4 protein function with a negative predictive value of 80%. In summary, the available evidence is currently insufficient to determine the role of this variant in disease. Therefore, it has been classified as a Variant of Uncertain Significance.

NM_001684.5(ATP2B4):c.1499T>C (p.Val500Ala)

Gene: ATP2B4 (ATPase plasma membrane Ca2+ transporting 4; plus strand). Cytogenetic location: 1q32.1.
Variant type: single nucleotide variant.
Coding change: c.1499T>C on transcript NM_001684.5 (MANE Select); coding-DNA position 1499, T replaced by C.
Protein change: p.Val500Ala; replaces valine 500 with alanine.
Molecular consequence: missense variant.
Genome position (GRCh38, 1-based): chr1:203,708,046, T>C. VCF-style: chr1-203708046-T-C. GRCh37 (hg19) VCF-style: chr1-203677174-T-C.
Other names: c.1499T>C, p.Val500Ala (NM_001001396.3, NM_001365783.2, NM_001365784.2); short protein forms V500A.
Identifiers: ClinVar variation 3618355 (VCV003618355.2).